The following is an entry in ClinVar:

NM_199355.4(ADAMTS18):c.1144A>T (p.Arg382Ter)

Gene: ADAMTS18 (ADAM metallopeptidase with thrombospondin type 1 motif 18; minus strand). Cytogenetic location: 16q23.1.
Variant type: single nucleotide variant.
Coding change: c.1144A>T on transcript NM_199355.4 (MANE Select); coding-DNA position 1144, A replaced by T.
Protein change: p.Arg382Ter; replaces arginine 382 with a stop codon.
Molecular consequence: nonsense.
Genome position (GRCh38, 1-based): chr16:77,362,177, T>A on the plus strand (A>T on the coding strand, the complement: ADAMTS18 is on the minus strand). VCF-style: chr16-77362177-T-A. GRCh37 (hg19) VCF-style: chr16-77396074-T-A.
Other names: c.628A>T, p.Arg210Ter (NM_001326358.2); short protein forms R210*, R382*.
Identifiers: ClinVar variation 4778357 (VCV004778357.1).

ClinVar aggregate classification (germline): Pathogenic (1 of 4 stars; one submission).

Submission:

Labcorp Genetics (formerly Invitae), Labcorp
Classification: Pathogenic. Last evaluated: 2026-01-21. Review status: criteria provided, single submitter. Criteria: Invitae Variant Classification Sherloc (09022015). Collection method: clinical testing. Allele origin: germline.
Comment: This sequence change creates a premature translational stop signal (p.Arg382*) in the ADAMTS18 gene. It is expected to result in an absent or disrupted protein product. Loss-of-function variants in ADAMTS18 are known to be pathogenic (PMID: 23818446, 24874986). This variant is not present in population databases (gnomAD no frequency). This variant has not been reported in the literature in individuals affected with ADAMTS18-related conditions. Algorithms developed to predict the effect of sequence changes on RNA splicing suggest that this variant may disrupt the consensus splice site. For these reasons, this variant has been classified as Pathogenic.

Literature cited by the submitters: PubMed 23818446; PubMed 24874986.